The following is an entry in ClinVar:

NM_000368.5(TSC1):c.1944dup (p.Leu649fs)

Gene: TSC1 (TSC complex subunit 1; minus strand). Cytogenetic location: 9q34.13.
Variant type: Duplication.
Coding change: c.1944dup on transcript NM_000368.5 (MANE Select); coding-DNA position 1944, one base duplicated (G; older notation c.1944dupG).
Protein change: p.Leu649fs; shifts the reading frame from leucine 649.
Molecular consequence: frameshift variant.
Genome position (GRCh38, 1-based): chr9:132,905,634, C duplicated on the plus strand (G on the coding strand, the reverse complement: TSC1 is on the minus strand). VCF-style (leftmost placement, unchanged base first): chr9-132905633-G-GC. GRCh37 (hg19) VCF-style: chr9-135781020-G-GC.
Other names: c.1941dup, p.Leu648fs (NM_001162426.2); c.1791dup, p.Leu598fs (NM_001162427.2); c.1581dup, p.Leu528fs (NM_001362177.2); short protein forms L598fs, L528fs, L648fs, L649fs.
Identifiers: ClinVar variation 1454201 (VCV001454201.6), dbSNP rs2131811032, ClinGen allele CA2573144270.
Genomic context (GRCh38, chr9:132,905,633, plus strand): 5'-TCCCTTACTTGTTCAGCTCCTTGCTGTGCGCGTCTGCTCCCTGCTGTATCAGTCTGTCCA[G>GC]CACTTCCATTGGGGAGGTAGAGGGCACACCATCTTCCTCTGTGTTTCCTTTTGCTTTCTT-3'

ClinVar aggregate classification (germline): Pathogenic (1 of 4 stars; one submission).

Conditions:
Tuberous sclerosis 1 (TSC1). Identifiers: Orphanet 805, MedGen C1854465, MONDO:0008612, OMIM 191100.

Submission:

Labcorp Genetics (formerly Invitae), Labcorp
Classification: Pathogenic for Tuberous sclerosis 1. Last evaluated: 2020-12-18. Review status: criteria provided, single submitter. Criteria: Invitae Variant Classification Sherloc (09022015). Collection method: clinical testing. Allele origin: germline.
Comment: For these reasons, this variant has been classified as Pathogenic. This variant has not been reported in the literature in individuals with TSC1-related conditions. This variant is not present in population databases (ExAC no frequency). This sequence change creates a premature translational stop signal (p.Leu649Alafs*39) in the TSC1 gene. It is expected to result in an absent or disrupted protein product. Loss-of-function variants in TSC1 are known to be pathogenic (PMID: 10227394, 17304050).

Literature cited by the submitters: PubMed 10227394; PubMed 17304050.